The following is an entry in ClinVar:

ClinVar aggregate classification (germline): Benign. Review status: criteria provided, multiple submitters, no conflicts (2 of 4 stars). 7 submissions from 7 submitters: Benign (6). 1 of the submissions does not count toward it. Last evaluated 2026-02-03.

Conditions:
Inborn genetic diseases. Identifiers: MedGen C0950123, MeSH D030342.
Intellectual developmental disorder, X-linked, syndromic, Turner type. Also called: Intellectual disability, X-linked syndromic, Turner type; X-linked intellectual disability, Turner type. Identifiers: Orphanet 3056, Orphanet 85328, MedGen C2678046, MONDO:0010407, OMIM 309590.

Allele frequency attached by ClinVar (database versions not stated): ESP Exome Variant Server 0.37792; 1000 Genomes Project 30x 0.38273; 1000 Genomes Project 0.38967; TOPMed 0.39326; gnomAD 0.40138 and 0.40804; ExAC 0.48955; gnomAD exomes 0.49479.

Submissions (7):

Labcorp Genetics (formerly Invitae), Labcorp
Classification: Benign. Last evaluated: 2026-02-03. Review status: criteria provided, single submitter. Criteria: Invitae Variant Classification Sherloc (09022015). Collection method: clinical testing. Allele origin: germline.

Blueprint Genetics
Classification: Benign. Last evaluated: 2024-11-28. Review status: criteria provided, single submitter. Criteria: ACMG Guidelines, 2015. Collection method: clinical testing. Allele origin: germline.

Genome-Nilou Lab
Classification: Benign for Intellectual developmental disorder, X-linked, syndromic, Turner type. Last evaluated: 2021-08-10. Review status: criteria provided, single submitter. Criteria: ACMG Guidelines, 2015. Collection method: clinical testing. Allele origin: germline. Affected: no.

GeneDx
Classification: Benign. Last evaluated: 2018-08-23. Review status: criteria provided, single submitter. Criteria: GeneDx Variant Classification Process June 2021. Collection method: clinical testing. Allele origin: germline. Affected: yes.

Ambry Genetics
Classification: Benign for Inborn genetic diseases. Last evaluated: 2015-06-22. Review status: criteria provided, single submitter. Criteria: Ambry Variant Classification Scheme 2023. Collection method: clinical testing. Allele origin: germline.

Breakthrough Genomics
Classification: Benign. Review status: criteria provided, single submitter. Criteria: ACMG Guidelines, 2015. Collection method: not provided. Allele origin: germline. Inheritance: X-linked inheritance. Affected: yes.

Genetic Services Laboratory, University of Chicago
Classification: Likely benign for AllHighlyPenetrant. Review status: no assertion criteria provided. Collection method: clinical testing. Allele origin: germline. Inheritance: X-linked inheritance. Not counted in ClinVar's aggregate classification.
Comment: Likely benign based on allele frequency in 1000 Genomes Project or ESP global frequency and its presence in a patient with a rare or unrelated disease phenotype. NOT Sanger confirmed.

NM_031407.7(HUWE1):c.2109A>G (p.Ser703=)

Gene: HUWE1 (HECT, UBA and WWE domain containing E3 ubiquitin protein ligase 1; minus strand). Cytogenetic location: Xp11.22.
Variant type: single nucleotide variant.
Coding change: c.2109A>G on transcript NM_031407.7 (MANE Select); coding-DNA position 2109, A replaced by G.
Protein change: p.Ser703=; no amino-acid change (serine 703 retained).
Molecular consequence: synonymous variant.
Genome position (GRCh38, 1-based): chrX:53,614,686, T>C on the plus strand (A>G on the coding strand, the complement: HUWE1 is on the minus strand). VCF-style: chrX-53614686-T-C. GRCh37 (hg19) VCF-style: chrX-53641647-T-C.
Identifiers: ClinVar variation 129253 (VCV000129253.23), dbSNP rs6638360, ClinGen allele CA153133.
Genomic context (GRCh38, chrX:53,614,686, plus strand): 5'-TTCTGCGGCATGATTAGACCTTGGGGGAGGAGCAGTGGCAGTGCCATCTGCCTTCTGGAT[T>C]GATGGCTTCTGACAGATGTATTTGGGGTCCCTTCCAAGATTACAGATTTCTTCAAGTAAC-3'
Protein context (NP_113584.3, residues 693-713): RDPKYICQKP[Ser703=]IQKADGTATA